The following is an entry in ClinVar:

ClinVar aggregate classification (germline): Uncertain significance (1 of 4 stars; one submission).

Conditions:
Inborn genetic diseases. Identifiers: MedGen C0950123, MeSH D030342.

Submission:

Ambry Genetics
Classification: Uncertain significance for Inborn genetic diseases. Last evaluated: 2025-04-03. Review status: criteria provided, single submitter. Criteria: Ambry Variant Classification Scheme 2023. Collection method: clinical testing. Allele origin: germline.
Comment: The p.P331S variant (also known as c.991C>T), located in coding exon 7 of the MECOM gene, results from a C to T substitution at nucleotide position 991. The proline at codon 331 is replaced by serine, an amino acid with similar properties. This amino acid position is conserved. In addition, the in silico prediction for this alteration is inconclusive. Based on the available evidence, the clinical significance of this variant remains unclear.

NM_004991.4(MECOM):c.991C>T (p.Pro331Ser)

Gene: MECOM (MDS1 and EVI1 complex locus; minus strand). Cytogenetic location: 3q26.2.
Variant type: single nucleotide variant.
Coding change: c.991C>T on transcript NM_004991.4 (MANE Select); coding-DNA position 991, C replaced by T.
Protein change: p.Pro331Ser; replaces proline 331 with serine.
Molecular consequence: missense variant.
Genome position (GRCh38, 1-based): chr3:169,121,197, G>A on the plus strand (C>T on the coding strand, the complement: MECOM is on the minus strand). VCF-style: chr3-169121197-G-A. GRCh37 (hg19) VCF-style: chr3-168838985-G-A.
Other names: c.622C>T, p.Pro208Ser (NM_001105077.4); c.427C>T, p.Pro143Ser (NM_001105078.4, NM_001164000.2, NM_001205194.2 and 5 more transcripts); c.430C>T, p.Pro144Ser (NM_001163999.2, NM_001366467.2, NM_001366468.2 and 1 more transcripts); c.991C>T, p.Pro331Ser (NM_001366466.2, NM_001366473.2); short protein forms P208S, P143S, P331S, P144S.
Identifiers: ClinVar variation 4053133 (VCV004053133.1).